The following is an entry in ClinVar:

ClinVar aggregate classification (germline): Likely pathogenic (1 of 4 stars; one submission).

Conditions:
Autoimmune lymphoproliferative syndrome type 2B. Also called: AUTOIMMUNE LYMPHOPROLIFERATIVE SYNDROME, TYPE IIB. Identifiers: Orphanet 275517, MedGen C1846545, MONDO:0011804, OMIM 607271.

Allele frequency attached by ClinVar (database versions not stated): TOPMed below 0.00001; gnomAD 0.00001.
gnomAD v4.1: 1 of 1,519,622 alleles (0.000066%); highest among the groups gnomAD compares: Non-Finnish European, 0.000091%; no homozygotes.

Submission:

Labcorp Genetics (formerly Invitae), Labcorp
Classification: Likely pathogenic for Autoimmune lymphoproliferative syndrome type 2B. Last evaluated: 2024-07-27. Review status: criteria provided, single submitter. Criteria: Invitae Variant Classification Sherloc (09022015). Collection method: clinical testing. Allele origin: germline.
Comment: This sequence change affects a donor splice site in intron 5 of the CASP8 gene. It is expected to disrupt RNA splicing. Variants that disrupt the donor or acceptor splice site typically lead to a loss of protein function (PMID: 16199547), and loss-of-function variants in CASP8 are known to be pathogenic (PMID: 12353035, 25814141). This variant is not present in population databases (gnomAD no frequency). This variant has not been reported in the literature in individuals affected with CASP8-related conditions. ClinVar contains an entry for this variant (Variation ID: 1516540). Algorithms developed to predict the effect of sequence changes on RNA splicing suggest that this variant may disrupt the consensus splice site. In summary, the currently available evidence indicates that the variant is pathogenic, but additional data are needed to prove that conclusively. Therefore, this variant has been classified as Likely Pathogenic.

Literature cited by the submitters: PubMed 16199547; PubMed 12353035; PubMed 25814141.

NM_001372051.1(CASP8):c.411+1G>C

Gene: CASP8 (caspase 8; plus strand). Cytogenetic location: 2q33.1.
Variant type: single nucleotide variant.
Coding change: c.411+1G>C on transcript NM_001372051.1 (MANE Select); the canonical splice donor site of the intron after coding-DNA position 411, G replaced by C.
Molecular consequence: splice donor variant.
Genome position (GRCh38, 1-based): chr2:201,271,622, G>C. VCF-style: chr2-201271622-G-C. GRCh37 (hg19) VCF-style: chr2-202136345-G-C.
Other names: c.-201+1G>C (NM_001400680.1); c.411+1G>C (NM_001080124.2, NM_033355.4, NM_001400661.1 and 20 more transcripts); c.588+1G>C (NM_001080125.2, NM_001400642.1, NM_001400665.1); c.-122+1G>C (NM_001400750.1, NM_001400751.1, NM_001400678.1 and 6 more transcripts); c.-303+1G>C (NM_001400674.1); c.507+1G>C (NM_001228.5); c.102+1G>C (NM_001400669.1).
Identifiers: ClinVar variation 1516540 (VCV001516540.6), dbSNP rs1948252170, ClinGen allele CA350287743.
Genomic context (GRCh38, chr2:201,271,622, plus strand): 5'-AGGTCTTTTAAGTTTCTTTTGCAAGAGGAAATCTCCAAATGCAAACTGGATGATGACATG[G>C]TAAGACCTGGTATCTTACTGAGATTTAGTCCTGAGACTTGGTTAGCCAGGGGGCATTTCT-3'